The following is an entry in ClinVar:

ClinVar aggregate classification (germline): Likely benign. Review status: criteria provided, multiple submitters, no conflicts (2 of 4 stars). 2 submissions from 2 submitters: Likely benign (2). Last evaluated 2023-09-17.

Conditions:
Tuberous sclerosis syndrome (TSC). Also called: Tuberous Sclerosis Complex; Tuberous sclerosis. Identifiers: Orphanet 805, MedGen C0041341, MONDO:0001734.
Tuberous sclerosis 2 (TSC2). Identifiers: Orphanet 805, MedGen C1860707, MONDO:0013199, OMIM 613254.

Submissions (2):

All of Us Research Program, National Institutes of Health
Classification: Likely benign for Tuberous sclerosis syndrome. Last evaluated: 2023-09-17. Review status: criteria provided, single submitter. Criteria: ACMG Guidelines, 2015. Collection method: clinical testing. Allele origin: germline. Inheritance: Autosomal dominant inheritance. Observed: 1 variant allele, 1 heterozygote.
Comment: This study involves interpretation of variants in research participants for the purpose of population health screening. Participant phenotype was not available at the time of variant classification. Additional details can be found in publication PMID: 35346344, PMCID: PMC8962531

Labcorp Genetics (formerly Invitae), Labcorp
Classification: Likely benign for Tuberous sclerosis 2. Last evaluated: 2022-05-10. Review status: criteria provided, single submitter. Criteria: Invitae Variant Classification Sherloc (09022015). Collection method: clinical testing. Allele origin: germline.

NM_000548.5(TSC2):c.5199C>G (p.Thr1733=)

Gene: TSC2 (TSC complex subunit 2; plus strand). Cytogenetic location: 16p13.3.
Variant type: single nucleotide variant.
Coding change: c.5199C>G on transcript NM_000548.5 (MANE Select); coding-DNA position 5199, C replaced by G.
Protein change: p.Thr1733=; no amino-acid change (threonine 1733 retained).
Molecular consequence: synonymous variant. On other transcripts: non-coding transcript variant (5).
Genome position (GRCh38, 1-based): chr16:2,088,265, C>G. VCF-style: chr16-2088265-C-G. GRCh37 (hg19) VCF-style: chr16-2138266-C-G.
Other names: c.4998C>G, p.Thr1666= (NM_001077183.3); c.5130C>G, p.Thr1710= (NM_001114382.3); c.4890C>G, p.Thr1630= (NM_001318827.2); c.4854C>G, p.Thr1618= (NM_001318829.2); c.4467C>G, p.Thr1489= (NM_001318831.2); c.5031C>G, p.Thr1677= (NM_001318832.2); c.5001C>G, p.Thr1667= (NM_001363528.2); c.5067C>G, p.Thr1689= (NM_001370404.1); and 27 more.
Identifiers: ClinVar variation 1992719 (VCV001992719.5), dbSNP rs778378296, ClinGen allele CA493043773.